The following is an entry in ClinVar:

ClinVar aggregate classification (germline): Benign/Likely benign. Review status: criteria provided, multiple submitters, no conflicts (2 of 4 stars). 6 submissions from 6 submitters: Benign (5); Likely benign (1). Last evaluated 2026-01-27.

Conditions:
Autosomal dominant cerebellar ataxia. Also called: Spinocerebellar Ataxia, Dominant. Identifiers: Orphanet 99, MedGen C4087347, MONDO:0020380.

Allele frequency attached by ClinVar (database versions not stated): ESP Exome Variant Server 0.00112; TOPMed 0.00390; gnomAD 0.00785 and 0.00846; ExAC 0.01179; gnomAD exomes 0.01238; 1000 Genomes Project 30x 0.01390; 1000 Genomes Project 0.01577.
gnomAD v4.1: 9,405 of 1,613,760 alleles (0.58%); highest among the groups gnomAD compares: East Asian, 8.3%; 289 homozygotes.

Submissions (6):

Labcorp Genetics (formerly Invitae), Labcorp
Classification: Benign. Last evaluated: 2026-01-27. Review status: criteria provided, single submitter. Criteria: Invitae Variant Classification Sherloc (09022015). Collection method: clinical testing. Allele origin: germline.

Blueprint Genetics
Classification: Likely benign. Last evaluated: 2024-11-25. Review status: criteria provided, single submitter. Criteria: ACMG Guidelines, 2015. Collection method: clinical testing. Allele origin: germline.

GeneDx
Classification: Benign. Last evaluated: 2019-03-06. Review status: criteria provided, single submitter. Criteria: GeneDx Variant Classification Process June 2021. Collection method: clinical testing. Allele origin: germline. Affected: yes.

Illumina Laboratory Services, Illumina
Classification: Benign for Spinocerebellar Ataxia, Dominant. Last evaluated: 2018-01-12. Review status: criteria provided, single submitter. Criteria: ICSL Variant Classification Criteria 13 December 2019. Collection method: clinical testing. Allele origin: germline.
Comment: This variant was observed in the ICSL laboratory as part of a predisposition screen in an ostensibly healthy population. It had not been previously curated by ICSL or reported in the Human Gene Mutation Database (HGMD: prior to June 1st, 2018), and was therefore a candidate for classification through an automated scoring system. Utilizing variant allele frequency, disease prevalence and penetrance estimates, and inheritance mode, an automated score was calculated to assess if this variant is too frequent to cause the disease. Based on the score and internal cut-off values, a variant classified as benign is not then subjected to further curation. The score for this variant resulted in a classification of benign for this disease.

Athena Diagnostics
Classification: Benign. Last evaluated: 2016-09-02. Review status: criteria provided, single submitter. Criteria: Athena Diagnostics Criteria. Collection method: clinical testing. Allele origin: germline.

Breakthrough Genomics
Classification: Benign. Review status: criteria provided, single submitter. Criteria: ACMG Guidelines, 2015. Collection method: not provided. Allele origin: germline. Inheritance: Autosomal dominant inheritance. Affected: yes.

NM_001378452.1(ITPR1):c.3327+4G>A

Gene: ITPR1 (inositol 1,4,5-trisphosphate receptor type 1; plus strand). Cytogenetic location: 3p26.1.
Variant type: single nucleotide variant.
Coding change: c.3327+4G>A on transcript NM_001378452.1 (MANE Select); 4 bases into the intron after coding-DNA position 3327, G replaced by A.
Molecular consequence: intron variant.
Genome position (GRCh38, 1-based): chr3:4,683,555, G>A. VCF-style: chr3-4683555-G-A. GRCh37 (hg19) VCF-style: chr3-4725239-G-A.
Other names: c.3300+4G>A (NM_001099952.4); c.3282+4G>A (NM_001168272.2); c.3255+4G>A (NM_002222.7).
Identifiers: ClinVar variation 345724 (VCV000345724.17), dbSNP rs2306878, ClinGen allele CA2231636.